The following is an entry in ClinVar:

ClinVar aggregate classification (germline): Uncertain significance (1 of 4 stars; one submission).

gnomAD v4.1: 2 of 1,613,442 alleles (0.00012%); highest among the groups gnomAD compares: Non-Finnish European, 0.00017%; no homozygotes.

Submission:

Labcorp Genetics (formerly Invitae), Labcorp
Classification: Uncertain significance. Last evaluated: 2024-10-05. Review status: criteria provided, single submitter. Criteria: Invitae Variant Classification Sherloc (09022015). Collection method: clinical testing. Allele origin: germline.
Comment: This sequence change replaces methionine, which is neutral and non-polar, with leucine, which is neutral and non-polar, at codon 278 of the IKZF1 protein (p.Met278Leu). This variant is not present in population databases (gnomAD no frequency). This variant has not been reported in the literature in individuals affected with IKZF1-related conditions. An algorithm developed to predict the effect of missense changes on protein structure and function outputs the following: PolyPhen-2: "Benign". The leucine amino acid residue is found in multiple mammalian species, which suggests that this missense change does not adversely affect protein function. In summary, the available evidence is currently insufficient to determine the role of this variant in disease. Therefore, it has been classified as a Variant of Uncertain Significance.

NM_006060.6(IKZF1):c.832A>T (p.Met278Leu)

Gene: IKZF1 (IKAROS family zinc finger 1; plus strand). Cytogenetic location: 7p12.2.
Variant type: single nucleotide variant.
Coding change: c.832A>T on transcript NM_006060.6 (MANE Select); coding-DNA position 832, A replaced by T.
Protein change: p.Met278Leu; replaces methionine 278 with leucine.
Molecular consequence: missense variant. On other transcripts: intron variant (7).
Genome position (GRCh38, 1-based): chr7:50,391,845, A>T. VCF-style: chr7-50391845-A-T. GRCh37 (hg19) VCF-style: chr7-50459543-A-T.
Other names: c.706A>T, p.Met236Leu (NM_001220765.3, NM_001291837.2); c.571A>T, p.Met191Leu (NM_001291838.2); c.445A>T, p.Met149Leu (NM_001291839.2); c.403A>T, p.Met135Leu (NM_001291841.1); c.277A>T, p.Met93Leu (NM_001291843.1); c.892A>T, p.Met298Leu (NM_001410879.1); c.590-8073A>T (NM_001220768.2); c.422-8073A>T (NM_001220771.2); and 5 more; short protein forms M236L, M191L, M93L, M135L, M149L, M278L, M298L.
Identifiers: ClinVar variation 3669190 (VCV003669190.2).
Genomic context (GRCh38, chr7:50,391,845, plus strand): 5'-TCAGAGAGATCTCTCGTGCTGGACAGACTAGCAAGTAACGTCGCCAAACGTAAGAGCTCT[A>T]TGCCTCAGAAATTTCTTGGTAAGAGTTAAATGTTTGCTGTCTCTTAAAAAAAAACTATGT-3'
Protein context (NP_006051.1, residues 268-288): ASNVAKRKSS[Met278Leu]PQKFLGDKGL